The following is an entry in ClinVar:

ClinVar aggregate classification (germline): Pathogenic (1 of 4 stars; one submission).

Conditions:
CEP20-related disorder.

Submission:

Daryl Scott Lab, Baylor College of Medicine
Classification: Pathogenic for CEP20-related disorder. Last evaluated: 2024-01-01. Review status: criteria provided, single submitter. Criteria: ACMG Guidelines, 2015. Collection method: clinical testing. Allele origin: maternal. Observed: 1 heterozygote.
Comment: PVS1, PM2

NM_025114.4(CEP290):c.2554dup (p.Gln852fs)

Gene: CEP290 (centrosomal protein 290; minus strand). Cytogenetic location: 12q21.32.
Variant type: Duplication.
Coding change: c.2554dup on transcript NM_025114.4 (MANE Select); coding-DNA position 2554, one base duplicated (C; older notation c.2554dupC).
Protein change: p.Gln852fs; shifts the reading frame from glutamine 852.
Molecular consequence: frameshift variant.
Genome position (GRCh38, 1-based): chr12:88,107,028, G duplicated on the plus strand (C on the coding strand, the reverse complement: CEP290 is on the minus strand); the first of 2 consecutive G bases (chr12:88,107,028-88,107,029); duplicating either gives the same sequence. VCF-style (leftmost placement, unchanged base first): chr12-88107027-T-TG. GRCh37 (hg19) VCF-style: chr12-88500804-T-TG.
Other names: short protein forms Q852fs.
Identifiers: ClinVar variation 3764635 (VCV003764635.1).